The following is an entry in ClinVar:

NM_001375524.1(TRRAP):c.5285G>A (p.Arg1762His)

Genes: TRRAP (transformation/transcription domain associated protein; plus strand), LOC126860121 (MED14-independent group 3 enhancer GRCh37_chr7:98547245-98548444; plus strand). Cytogenetic location: 7q22.1.
Variant type: single nucleotide variant.
Coding change: c.5285G>A on transcript NM_001375524.1 (MANE Select); coding-DNA position 5285, G replaced by A.
Protein change: p.Arg1762His; replaces arginine 1762 with histidine.
Molecular consequence: missense variant.
Genome position (GRCh38, 1-based): chr7:98,950,213, G>A. VCF-style: chr7-98950213-G-A. GRCh37 (hg19) VCF-style: chr7-98547836-G-A.
Other names: c.5264G>A, p.Arg1755His (NM_001244580.2); c.5210G>A, p.Arg1737His (NM_003496.4); short protein forms R1762H, R1737H, R1755H.
Identifiers: ClinVar variation 2905628 (VCV002905628.3), dbSNP rs1050847976, ClinGen allele CA163090777.
Genomic context (GRCh38, chr7:98,950,213, plus strand): 5'-ATATGGAGGAAGAGATTCCCAAAAATTACAGCATCGCTCAGAAACGTGCCCTGTTCTTTC[G>A]CTTTGTAGACTTCAACGACCCCAACTTCGGAGATGAATTAAAAGCTAAAGTGAGTCCCAC-3'
Protein context (NP_001362453.1, residues 1752-1772): SIAQKRALFF[Arg1762His]FVDFNDPNFG

ClinVar aggregate classification (germline): Uncertain significance (1 of 4 stars; one submission).

Allele frequency attached by ClinVar (database versions not stated): TOPMed 0.00001.
gnomAD v4.1: 2 of 1,614,148 alleles (0.00012%); highest among the groups gnomAD compares: Non-Finnish European, 0.00017%; no homozygotes.

Submission:

Labcorp Genetics (formerly Invitae), Labcorp
Classification: Uncertain significance. Last evaluated: 2025-08-21. Review status: criteria provided, single submitter. Criteria: Invitae Variant Classification Sherloc (09022015). Collection method: clinical testing. Allele origin: germline.
Comment: This sequence change replaces arginine, which is basic and polar, with histidine, which is basic and polar, at codon 1737 of the TRRAP protein (p.Arg1737His). This variant is not present in population databases (gnomAD no frequency). This variant has not been reported in the literature in individuals affected with TRRAP-related conditions. ClinVar contains an entry for this variant (Variation ID: 2905628). Invitae Evidence Modeling of protein sequence and biophysical properties (such as structural, functional, and spatial information, amino acid conservation, physicochemical variation, residue mobility, and thermodynamic stability) indicates that this missense variant is not expected to disrupt TRRAP protein function with a negative predictive value of 80%. In summary, the available evidence is currently insufficient to determine the role of this variant in disease. Therefore, it has been classified as a Variant of Uncertain Significance.